The following is an entry in ClinVar:

ClinVar aggregate classification (germline): Conflicting classifications of pathogenicity. Review status: criteria provided, conflicting classifications (1 of 4 stars). 3 submissions from 2 submitters: Uncertain significance (1); Benign (1); Likely benign (1). Last evaluated 2025-10-10.

Conditions:
Autosomal recessive ataxia, Beauce type. Also called: SYNE1 Deficiency; SYNE1-Related Autosomal Recessive Cerebellar Ataxia; Spinocerebellar ataxia, autosomal recessive 8; ATAXIA, RECESSIVE, OF BEAUCE. Identifiers: Orphanet 88644, MedGen C1853116, MONDO:0012549, OMIM 610743.
Emery-Dreifuss muscular dystrophy 4, autosomal dominant (EDMD4). Also called: EMERY-DREIFUSS MUSCULAR DYSTROPHY 4 WITH VARIABLE FEATURES. Identifiers: Orphanet 261, MedGen C2751807, MONDO:0013071, OMIM 612998.

Allele frequency attached by ClinVar (database versions not stated): gnomAD exomes 0.00010; ExAC 0.00012; 1000 Genomes Project 0.00020; 1000 Genomes Project 30x 0.00031; gnomAD 0.00032 and 0.00036; ESP Exome Variant Server 0.00038; TOPMed 0.00040.
gnomAD v4.1: 97 of 1,612,870 alleles (0.006%); highest among the groups gnomAD compares: African/African-American, 0.12%; no homozygotes.

Submissions (3):

Labcorp Genetics (formerly Invitae), Labcorp
Classification: Likely benign for Emery-Dreifuss muscular dystrophy 4, autosomal dominant; Autosomal recessive ataxia, Beauce type. Last evaluated: 2025-10-10. Review status: criteria provided, single submitter. Criteria: Invitae Variant Classification Sherloc (09022015). Collection method: clinical testing. Allele origin: germline.

Illumina Laboratory Services, Illumina
Classification: Uncertain significance for Autosomal recessive ataxia, Beauce type. Last evaluated: 2018-01-13. Review status: criteria provided, single submitter. Criteria: ICSL Variant Classification Criteria 13 December 2019. Collection method: clinical testing. Allele origin: germline.

Illumina Laboratory Services, Illumina
Classification: Benign for Emery-Dreifuss muscular dystrophy 4, autosomal dominant. Last evaluated: 2018-01-13. Review status: criteria provided, single submitter. Criteria: ICSL Variant Classification Criteria 13 December 2019. Collection method: clinical testing. Allele origin: germline.
Comment: This variant was observed in the ICSL laboratory as part of a predisposition screen in an ostensibly healthy population. It had not been previously curated by ICSL or reported in the Human Gene Mutation Database (HGMD: prior to June 1st, 2018), and was therefore a candidate for classification through an automated scoring system. Utilizing variant allele frequency, disease prevalence and penetrance estimates, and inheritance mode, an automated score was calculated to assess if this variant is too frequent to cause the disease. Based on the score and internal cut-off values, a variant classified as benign is not then subjected to further curation. The score for this variant resulted in a classification of benign for this disease.

NM_182961.4(SYNE1):c.309+14A>G

Gene: SYNE1 (spectrin repeat containing nuclear envelope protein 1; minus strand). Cytogenetic location: 6q25.2.
Variant type: single nucleotide variant.
Coding change: c.309+14A>G on transcript NM_182961.4 (MANE Select); 14 bases into the intron after coding-DNA position 309, A replaced by G.
Molecular consequence: intron variant.
Genome position (GRCh38, 1-based): chr6:152,520,445, T>C on the plus strand (A>G on the coding strand, the complement: SYNE1 is on the minus strand). VCF-style: chr6-152520445-T-C. GRCh37 (hg19) VCF-style: chr6-152841580-T-C.
Other names: c.309+14A>G (NM_033071.5).
Identifiers: ClinVar variation 355950 (VCV000355950.12), dbSNP rs368595280, ClinGen allele CA4059809.